The following is an entry in ClinVar:

ClinVar aggregate classification (germline): Uncertain significance. Review status: criteria provided, multiple submitters, no conflicts (2 of 4 stars). 2 submissions from 2 submitters: Uncertain significance (2). Last evaluated 2025-07-31.

Conditions:
Cohen syndrome (COH1). Also called: Cutis verticis gyrata, retinitis pigmentosa, and sensorineural deafness; PEPPER SYNDROME. Identifiers: Orphanet 193, MedGen C0265223, MONDO:0008999, OMIM 216550.
Inborn genetic diseases. Identifiers: MedGen C0950123, MeSH D030342.

gnomAD v4.1: 1 of 1,614,178 alleles (0.000062%); highest among the groups gnomAD compares: African/African-American, 0.0013%; no homozygotes.

Submissions (2):

Ambry Genetics
Classification: Uncertain significance for Inborn genetic diseases. Last evaluated: 2025-07-31. Review status: criteria provided, single submitter. Criteria: Ambry Variant Classification Scheme 2023. Collection method: clinical testing. Allele origin: germline.

Labcorp Genetics (formerly Invitae), Labcorp
Classification: Uncertain significance for Cohen syndrome. Last evaluated: 2022-06-16. Review status: criteria provided, single submitter. Criteria: Invitae Variant Classification Sherloc (09022015). Collection method: clinical testing. Allele origin: germline.
Comment: Algorithms developed to predict the effect of missense changes on protein structure and function are either unavailable or do not agree on the potential impact of this missense change (SIFT: "Not Available"; PolyPhen-2: "Benign"; Align-GVGD: "Not Available"). This variant has not been reported in the literature in individuals affected with VPS13B-related conditions. This variant is not present in population databases (gnomAD no frequency). This sequence change replaces asparagine, which is neutral and polar, with serine, which is neutral and polar, at codon 2087 of the VPS13B protein (p.Asn2087Ser). In summary, the available evidence is currently insufficient to determine the role of this variant in disease. Therefore, it has been classified as a Variant of Uncertain Significance.

NM_152564.5(VPS13B):c.6185A>G (p.Asn2062Ser)

Gene: VPS13B (vacuolar protein sorting 13 homolog B; plus strand). Cytogenetic location: 8q22.2.
Variant type: single nucleotide variant.
Coding change: c.6185A>G on transcript NM_152564.5 (MANE Select); coding-DNA position 6185, A replaced by G.
Protein change: p.Asn2062Ser; replaces asparagine 2062 with serine.
Molecular consequence: missense variant.
Genome position (GRCh38, 1-based): chr8:99,699,663, A>G. VCF-style: chr8-99699663-A-G. GRCh37 (hg19) VCF-style: chr8-100711891-A-G.
Other names: c.6260A>G (NM_017890.3); c.6260A>G, p.Asn2087Ser (NM_017890.5); short protein forms N2087S, N2062S.
Identifiers: ClinVar variation 1948261 (VCV001948261.6), dbSNP rs2491483968, ClinGen allele CA371874517.
Genomic context (GRCh38, chr8:99,699,663, plus strand): 5'-TAAAGAAGATAAAAAATGCACACAGTTTGGCACATAGTGAAGAGACTTCAGCCATGTCCA[A>G]CACCATGGTGAATAAGGATGATCTTCCAGTCTCCAAATATTACCGTGGAAAGTTGTCTAA-3'
Protein context (NP_689777.3, residues 2052-2072): AHSEETSAMS[Asn2062Ser]TMVNKDDLPV